The following is an entry in ClinVar:

NM_002907.4(RECQL):c.1677_1678del (p.Tyr559_Ser560delinsTer)

Genes: PYROXD1 (pyridine nucleotide-disulphide oxidoreductase domain 1; plus strand), RECQL (RecQ like helicase; minus strand). Cytogenetic location: 12p12.1.
Variant type: Deletion.
Coding change: c.1677_1678del on transcript NM_002907.4 (MANE Select); coding-DNA positions 1677 to 1678, 2 bases deleted (CA; older notation c.1677_1678delCA).
Protein change: p.Tyr559_Ser560delinsTer.
Molecular consequence: nonsense. On other transcripts: 3 prime UTR variant (3).
Genome position (GRCh38, 1-based): chr12:21,471,088-21,471,089, TG deleted on the plus strand (CA on the coding strand, the reverse complement: RECQL is on the minus strand); deleting any 2 consecutive bases within chr12:21,471,088-21,471,090 gives the same sequence; the c. name uses the placement nearest the transcript's 3' end. VCF-style (leftmost placement, unchanged base first): chr12-21471087-CTG-C. GRCh37 (hg19) VCF-style: chr12-21624021-CTG-C.
Other names: c.1677_1678del, p.Tyr559_Ser560delinsTer (NM_032941.3); c.*2335_*2336del (NM_001350912.2, NM_001350913.2, NM_024854.5).
Identifiers: ClinVar variation 2593162 (VCV002593162.2), dbSNP rs1942943233, ClinGen allele CA945486522.

ClinVar aggregate classification (germline): Uncertain significance (1 of 4 stars; one submission).

Submission:

Ambry Genetics
Classification: Uncertain significance. Last evaluated: 2023-08-08. Review status: criteria provided, single submitter. Criteria: Ambry Variant Classification Scheme 2023. Collection method: clinical testing. Allele origin: germline.
Comment: The c.1677_1678delCA variant, located in coding exon 13 of the RECQL gene, results from a deletion of two nucleotides at nucleotide positions 1677 to 1678, causing a translational frameshift with a predicted alternate stop codon (p.Y559*). This alteration is expected to result in loss of function by premature protein truncation or nonsense-mediated mRNA decay. The evidence for this gene-disease relationship is limited; therefore, the clinical significance of this alteration is unclear.